The following is an entry in ClinVar:

ClinVar aggregate classification (germline): Uncertain significance (1 of 4 stars; one submission).

Submission:

GeneDx
Classification: Uncertain significance. Last evaluated: 2023-01-27. Review status: criteria provided, single submitter. Criteria: GeneDx Variant Classification Process June 2021. Collection method: clinical testing. Allele origin: germline. Affected: yes.
Comment: Not observed at significant frequency in large population cohorts (gnomAD); In silico analysis supports that this missense variant does not alter protein structure/function; Has not been previously published as pathogenic or benign to our knowledge

NM_001127222.2(CACNA1A):c.2957C>A (p.Ala986Asp)

Gene: CACNA1A (calcium voltage-gated channel subunit alpha1 A; minus strand). Cytogenetic location: 19p13.13.
Variant type: single nucleotide variant.
Coding change: c.2957C>A on transcript NM_001127222.2 (MANE Select); coding-DNA position 2957, C replaced by A.
Protein change: p.Ala986Asp; replaces alanine 986 with aspartic acid.
Molecular consequence: missense variant.
Genome position (GRCh38, 1-based): chr19:13,298,676, G>T on the plus strand (C>A on the coding strand, the complement: CACNA1A is on the minus strand). VCF-style: chr19-13298676-G-T. GRCh37 (hg19) VCF-style: chr19-13409490-G-T.
Other names: c.2960C>A, p.Ala987Asp (NM_001127221.2, NM_001174080.2); c.2969C>A, p.Ala990Asp (NM_000068.4, NM_023035.3); short protein forms A986D, A987D, A990D.
Identifiers: ClinVar variation 2575006 (VCV002575006.1), dbSNP rs2144953042, ClinGen allele CA404342369.